The following is an entry in ClinVar:

ClinVar aggregate classification (germline): Likely benign. Review status: criteria provided, single submitter (1 of 4 stars). 2 submissions from 2 submitters: Likely benign (1). 1 of the submissions does not count toward it. Last evaluated 2024-11-25.

Conditions:
GFM1-related disorder. Also called: GFM1-related condition.

Submissions (12):

Blueprint Genetics
Classification: Likely benign. Last evaluated: 2024-11-25. Review status: criteria provided, single submitter. Criteria: ACMG Guidelines, 2015. Collection method: clinical testing. Allele origin: germline.

PreventionGenetics, part of Exact Sciences
Classification: Likely benign for GFM1-related condition. Last evaluated: 2021-11-03. Review status: no assertion criteria provided. Collection method: clinical testing. Allele origin: germline. Not counted in ClinVar's aggregate classification.
Comment: This variant is classified as likely benign based on ACMG/AMP sequence variant interpretation guidelines (Richards et al. 2015 PMID: 25741868, with internal and published modifications).

Dr. Peter K. Rogan Lab, Western University
No classification provided (evidence only). Condition: Colon adenocarcinoma. Review status: no classification provided. Collection method: in vitro. Allele origin: not applicable. Functional consequence: retained intron. Not counted in ClinVar's aggregate classification.

Dr. Peter K. Rogan Lab, Western University
No classification provided (evidence only). Condition: Colon adenocarcinoma. Review status: no classification provided. Collection method: in vitro. Allele origin: not applicable. Functional consequence: skipped exon. Not counted in ClinVar's aggregate classification.

Dr. Peter K. Rogan Lab, Western University
No classification provided (evidence only). Condition: Colon adenocarcinoma. Review status: no classification provided. Collection method: in vitro. Allele origin: not applicable. Functional consequence: skipped exon. Not counted in ClinVar's aggregate classification.

Dr. Peter K. Rogan Lab, Western University
No classification provided (evidence only). Condition: Nonpapillary renal cell carcinoma. Review status: no classification provided. Collection method: in vitro. Allele origin: not applicable. Functional consequence: retained intron. Not counted in ClinVar's aggregate classification.

Dr. Peter K. Rogan Lab, Western University
No classification provided (evidence only). Condition: Colorectal cancer. Review status: no classification provided. Collection method: in vitro. Allele origin: not applicable. Functional consequence: retained intron. Not counted in ClinVar's aggregate classification.

Dr. Peter K. Rogan Lab, Western University
No classification provided (evidence only). Condition: Uterine corpus endometrial carcinoma. Review status: no classification provided. Collection method: in vitro. Allele origin: not applicable. Functional consequence: skipped exon. Not counted in ClinVar's aggregate classification.

Dr. Peter K. Rogan Lab, Western University
No classification provided (evidence only). Condition: Uterine corpus endometrial carcinoma. Review status: no classification provided. Collection method: in vitro. Allele origin: not applicable. Functional consequence: skipped exon. Not counted in ClinVar's aggregate classification.

Dr. Peter K. Rogan Lab, Western University
No classification provided (evidence only). Condition: Uterine corpus endometrial carcinoma. Review status: no classification provided. Collection method: in vitro. Allele origin: not applicable. Functional consequence: skipped exon. Not counted in ClinVar's aggregate classification.

Dr. Peter K. Rogan Lab, Western University
No classification provided (evidence only). Condition: Uterine corpus endometrial carcinoma. Review status: no classification provided. Collection method: in vitro. Allele origin: not applicable. Functional consequence: retained intron. Not counted in ClinVar's aggregate classification.

Dr. Peter K. Rogan Lab, Western University
No classification provided (evidence only). Condition: Malignant tumor of esophagus. Review status: no classification provided. Collection method: in vitro. Allele origin: not applicable. Functional consequence: skipped exon. Not counted in ClinVar's aggregate classification.

NM_024996.7(GFM1):c.1910-9_1910-8del

Gene: GFM1 (G elongation factor mitochondrial 1; plus strand). Cytogenetic location: 3q25.32.
Variant type: Deletion.
Coding change: c.1910-9_1910-8del on transcript NM_024996.7 (MANE Select); 9 bases into the intron before coding-DNA position 1910 through 8 bases into the intron before coding-DNA position 1910, 2 bases deleted (TT; older notation c.1910-9_1910-8delTT).
Molecular consequence: intron variant.
Genome position (GRCh38, 1-based): chr3:158,690,154-158,690,155, TT deleted; deleting any 2 consecutive bases within chr3:158,690,142-158,690,155 gives the same sequence; the c. name uses the placement nearest the transcript's 3' end. VCF-style (leftmost placement, unchanged base first): chr3-158690141-CTT-C. GRCh37 (hg19) VCF-style: chr3-158407930-CTT-C.
Other names: NC_000003.11:g.158407943_158407944del; c.1967-9_1967-8del (NM_001308164.2); c.1685-9_1685-8del (NM_001374357.1); c.1829-9_1829-8del (NM_001374355.1); c.1793-9_1793-8del (NM_001374356.1); c.1343-9_1343-8del (NM_001374359.1, NM_001374360.1); c.1226-9_1226-8del (NM_001374361.1); c.1451-9_1451-8del (NM_001374358.1).
Identifiers: ClinVar variation 3043258 (VCV003043258.4), dbSNP rs34920045, ClinGen allele CA2683029.